The following is an entry in ClinVar:

NM_019892.6(INPP5E):c.1888C>T (p.Gln630Ter)

Gene: INPP5E (inositol polyphosphate-5-phosphatase E; minus strand). Cytogenetic location: 9q34.3.
Variant type: single nucleotide variant.
Coding change: c.1888C>T on transcript NM_019892.6 (MANE Select); coding-DNA position 1888, C replaced by T.
Protein change: p.Gln630Ter; replaces glutamine 630 with a stop codon.
Molecular consequence: nonsense.
Genome position (GRCh38, 1-based): chr9:136,429,722, G>A on the plus strand (C>T on the coding strand, the complement: INPP5E is on the minus strand). VCF-style: chr9-136429722-G-A. GRCh37 (hg19) VCF-style: chr9-139324174-G-A.
Other names: c.1885C>T, p.Gln629Ter (NM_001318502.2); short protein forms Q630*, Q629*.
Identifiers: ClinVar variation 2701602 (VCV002701602.3), dbSNP rs2538869652, ClinGen allele CA375560106.

ClinVar aggregate classification (germline): Pathogenic (1 of 4 stars; one submission).

Conditions:
Joubert syndrome. Also called: CEREBELLOPARENCHYMAL DISORDER IV; JOUBERT-BOLTSHAUSER SYNDROME; Familial aplasia of the vermis. Identifiers: Orphanet 475, MedGen C5979921, MONDO:0018772.

Submission:

Labcorp Genetics (formerly Invitae), Labcorp
Classification: Pathogenic for Joubert syndrome. Last evaluated: 2023-12-09. Review status: criteria provided, single submitter. Criteria: Invitae Variant Classification Sherloc (09022015). Collection method: clinical testing. Allele origin: germline.
Comment: This sequence change creates a premature translational stop signal (p.Gln630*) in the INPP5E gene. While this is not anticipated to result in nonsense mediated decay, it is expected to disrupt the last 15 amino acid(s) of the INPP5E protein. This variant is not present in population databases (gnomAD no frequency). This variant has not been reported in the literature in individuals affected with INPP5E-related conditions. This variant disrupts a region of the INPP5E protein in which other variant(s) (p.Cys641Arg) have been determined to be pathogenic (PMID: 23386033). This suggests that this is a clinically significant region of the protein, and that variants that disrupt it are likely to be disease-causing. For these reasons, this variant has been classified as Pathogenic.

Literature cited by the submitters: PubMed 23386033.